The following is an entry in ClinVar:

ClinVar aggregate classification (germline): Benign/Likely benign. Review status: criteria provided, multiple submitters, no conflicts (2 of 4 stars). 3 submissions from 3 submitters: Benign (1); Likely benign (1). 1 of the submissions does not count toward it. Last evaluated 2024-10-29.

Conditions:
Prostate cancer, hereditary, 9 (HPC9). Identifiers: Orphanet 1331, MedGen C1970250, MONDO:0012597, OMIM 610997.
Prostate cancer, hereditary, 1 (HPC1). Identifiers: Orphanet 1331, MedGen C4722327, MONDO:0011098, OMIM 601518.

Submissions (3):

Myriad Genetics, Inc.
Classification: Benign for Prostate cancer, hereditary, 9. Last evaluated: 2024-10-29. Review status: criteria provided, single submitter. Criteria: Myriad Autosomal Dominant, Autosomal Recessive and X-Linked Classification Criteria (2023). Collection method: clinical testing. Allele origin: unknown.
Comment: This variant is considered benign. This variant is a silent/synonymous amino acid change and it is not expected to impact splicing.

Labcorp Genetics (formerly Invitae), Labcorp
Classification: Likely benign. Last evaluated: 2024-05-24. Review status: criteria provided, single submitter. Criteria: Invitae Variant Classification Sherloc (09022015). Collection method: clinical testing. Allele origin: germline.

Laboratory of Virology, Microbiology,  Quality and Medical Biotechnologies, Faculty of Sciences and Techniques - Mohammedia, Hassan II University of Casablanca
Classification: Uncertain significance for Prostate cancer, hereditary, 1. Review status: no assertion criteria provided. Collection method: clinical testing. Allele origin: somatic. Affected: yes. Not counted in ClinVar's aggregate classification.

NM_006361.6(HOXB13):c.162A>G (p.Pro54=)

Gene: HOXB13 (homeobox B13; minus strand). Cytogenetic location: 17q21.32.
Variant type: single nucleotide variant.
Coding change: c.162A>G on transcript NM_006361.6 (MANE Select); coding-DNA position 162, A replaced by G.
Protein change: p.Pro54=; no amino-acid change (proline 54 retained).
Molecular consequence: synonymous variant.
Genome position (GRCh38, 1-based): chr17:48,728,432, T>C on the plus strand (A>G on the coding strand, the complement: HOXB13 is on the minus strand). VCF-style: chr17-48728432-T-C. GRCh37 (hg19) VCF-style: chr17-46805794-T-C.
Identifiers: ClinVar variation 690574 (VCV000690574.5), dbSNP rs1597934963, ClinGen allele CA500502686.